The following is an entry in ClinVar:

ClinVar aggregate classification (germline): Uncertain significance. Review status: criteria provided, multiple submitters, no conflicts (2 of 4 stars). 4 submissions from 4 submitters: Uncertain significance (4). Last evaluated 2026-01-02.

Conditions:
Cardiovascular phenotype. Identifiers: MedGen CN230736.
Hypertrophic cardiomyopathy 14. Identifiers: MedGen C2750467, MONDO:0013197, OMIM 613251.

Submissions (4):

Ambry Genetics
Classification: Uncertain significance for Cardiovascular phenotype. Last evaluated: 2026-01-02. Review status: criteria provided, single submitter. Criteria: Ambry Variant Classification Scheme 2023. Collection method: clinical testing. Allele origin: germline.
Comment: The p.E410K variant (also known as c.1228G>A), located in coding exon 11 of the MYH6 gene, results from a G to A substitution at nucleotide position 1228. The glutamic acid at codon 410 is replaced by lysine, an amino acid with similar properties. This amino acid position is conserved. In addition, this alteration is predicted to be deleterious by in silico analysis. Based on the available evidence, the clinical significance of this variant remains unclear.

Labcorp Genetics (formerly Invitae), Labcorp
Classification: Uncertain significance for Hypertrophic cardiomyopathy 14. Last evaluated: 2025-09-17. Review status: criteria provided, single submitter. Criteria: Invitae Variant Classification Sherloc (09022015). Collection method: clinical testing. Allele origin: germline.
Comment: This sequence change replaces glutamic acid, which is acidic and polar, with lysine, which is basic and polar, at codon 410 of the MYH6 protein (p.Glu410Lys). This variant is not present in population databases (gnomAD no frequency). This variant has not been reported in the literature in individuals affected with MYH6-related conditions. ClinVar contains an entry for this variant (Variation ID: 1313167). Invitae Evidence Modeling of protein sequence and biophysical properties (such as structural, functional, and spatial information, amino acid conservation, physicochemical variation, residue mobility, and thermodynamic stability) indicates that this missense variant is expected to disrupt MYH6 protein function with a positive predictive value of 80%. In summary, the available evidence is currently insufficient to determine the role of this variant in disease. Therefore, it has been classified as a Variant of Uncertain Significance.

GeneDx
Classification: Uncertain significance. Last evaluated: 2023-12-04. Review status: criteria provided, single submitter. Criteria: GeneDx Variant Classification Process June 2021. Collection method: clinical testing. Allele origin: germline. Affected: yes.
Comment: Has not been previously published as pathogenic or benign to our knowledge; Not observed at significant frequency in large population cohorts (gnomAD); In silico analysis supports that this missense variant has a deleterious effect on protein structure/function

CENTOGENE GmbH and LLC - Guiding Precision Medicine
Classification: Uncertain significance for Hypertrophic cardiomyopathy 14. Last evaluated: 2019-05-03. Review status: criteria provided, single submitter. Criteria: ACMG Guidelines, 2015. Collection method: clinical testing. Allele origin: germline.

NM_002471.4(MYH6):c.1228G>A (p.Glu410Lys)

Gene: MYH6 (myosin heavy chain 6; minus strand). Cytogenetic location: 14q11.2.
Variant type: single nucleotide variant.
Coding change: c.1228G>A on transcript NM_002471.4 (MANE Select); coding-DNA position 1228, G replaced by A.
Protein change: p.Glu410Lys; replaces glutamic acid 410 with lysine.
Molecular consequence: missense variant.
Genome position (GRCh38, 1-based): chr14:23,400,891, C>T on the plus strand (G>A on the coding strand, the complement: MYH6 is on the minus strand). VCF-style: chr14-23400891-C-T. GRCh37 (hg19) VCF-style: chr14-23870100-C-T.
Other names: short protein forms E410K.
Identifiers: ClinVar variation 1313167 (VCV001313167.13), dbSNP rs2138612531, ClinGen allele CA389024203.